The following is an entry in ClinVar:

ClinVar aggregate classification (germline): Uncertain significance (1 of 4 stars; one submission).

Allele frequency attached by ClinVar (database versions not stated): gnomAD exomes below 0.00001; ExAC 0.00001; gnomAD 0.00001 and 0.00002; TOPMed 0.00003.
gnomAD v4.1: 9 of 1,613,850 alleles (0.00056%); highest among the groups gnomAD compares: Middle Eastern, 0.016%; no homozygotes.

Submission:

Labcorp Genetics (formerly Invitae), Labcorp
Classification: Uncertain significance. Last evaluated: 2021-08-31. Review status: criteria provided, single submitter. Criteria: Invitae Variant Classification Sherloc (09022015). Collection method: clinical testing. Allele origin: germline.
Comment: This sequence change replaces arginine with cysteine at codon 1886 of the NBAS protein (p.Arg1886Cys). The arginine residue is highly conserved and there is a large physicochemical difference between arginine and cysteine. The frequency data for this variant in the population databases is considered unreliable, as metrics indicate poor data quality at this position in the ExAC database. This variant has not been reported in the literature in individuals affected with NBAS-related conditions. Algorithms developed to predict the effect of missense changes on protein structure and function (SIFT, PolyPhen-2, Align-GVGD) all suggest that this variant is likely to be disruptive. In summary, the available evidence is currently insufficient to determine the role of this variant in disease. Therefore, it has been classified as a Variant of Uncertain Significance.

NM_015909.4(NBAS):c.5656C>T (p.Arg1886Cys)

Gene: NBAS (NBAS subunit of NRZ tethering complex; minus strand). Cytogenetic location: 2p24.3.
Variant type: single nucleotide variant.
Coding change: c.5656C>T on transcript NM_015909.4 (MANE Select); coding-DNA position 5656, C replaced by T.
Protein change: p.Arg1886Cys; replaces arginine 1886 with cysteine.
Molecular consequence: missense variant. On other transcripts: non-coding transcript variant (1).
Genome position (GRCh38, 1-based): chr2:15,275,552, G>A on the plus strand (C>T on the coding strand, the complement: NBAS is on the minus strand). VCF-style: chr2-15275552-G-A. GRCh37 (hg19) VCF-style: chr2-15415676-G-A.
Other names: short protein forms R1886C.
Identifiers: ClinVar variation 1521329 (VCV001521329.5), dbSNP rs769915990, ClinGen allele CA1535253.